The following is an entry in ClinVar:

ClinVar aggregate classification (germline): Uncertain significance (1 of 4 stars; one submission).

Conditions:
Infantile neuroaxonal dystrophy (NBIA2A). Also called: NEURODEGENERATION WITH BRAIN IRON ACCUMULATION 2A; SEITELBERGER DISEASE; Infantile neuroaxonal dystrophy 1. Identifiers: Orphanet 35069, MedGen C0270724, MONDO:0024457, OMIM 256600.

Allele frequency attached by ClinVar (database versions not stated): gnomAD exomes below 0.00001.
gnomAD v4.1: 2 of 1,564,122 alleles (0.00013%); highest among the groups gnomAD compares: Non-Finnish European, 0.00017%; no homozygotes.

Submission:

Labcorp Genetics (formerly Invitae), Labcorp
Classification: Uncertain significance for Infantile neuroaxonal dystrophy. Last evaluated: 2022-07-11. Review status: criteria provided, single submitter. Criteria: Invitae Variant Classification Sherloc (09022015). Collection method: clinical testing. Allele origin: germline.
Comment: In summary, the available evidence is currently insufficient to determine the role of this variant in disease. Therefore, it has been classified as a Variant of Uncertain Significance. Algorithms developed to predict the effect of missense changes on protein structure and function (SIFT, PolyPhen-2, Align-GVGD) all suggest that this variant is likely to be tolerated. This variant has not been reported in the literature in individuals affected with PLA2G6-related conditions. This variant is not present in population databases (gnomAD no frequency). This sequence change replaces asparagine, which is neutral and polar, with serine, which is neutral and polar, at codon 318 of the PLA2G6 protein (p.Asn318Ser).

NM_003560.4(PLA2G6):c.953A>G (p.Asn318Ser)

Gene: PLA2G6 (phospholipase A2 group VI; minus strand). Cytogenetic location: 22q13.1.
Variant type: single nucleotide variant.
Coding change: c.953A>G on transcript NM_003560.4 (MANE Select); coding-DNA position 953, A replaced by G.
Protein change: p.Asn318Ser; replaces asparagine 318 with serine.
Molecular consequence: missense variant.
Genome position (GRCh38, 1-based): chr22:38,132,955, T>C on the plus strand (A>G on the coding strand, the complement: PLA2G6 is on the minus strand). VCF-style: chr22-38132955-T-C. GRCh37 (hg19) VCF-style: chr22-38528962-T-C.
Other names: c.953A>G, p.Asn318Ser (NM_001004426.3, NM_001199562.3, NM_001349864.2 and 2 more transcripts); c.419A>G, p.Asn140Ser (NM_001349867.2, NM_001349869.2); c.275A>G, p.Asn92Ser (NM_001349868.2); short protein forms N140S, N318S, N92S.
Identifiers: ClinVar variation 2015609 (VCV002015609.4), dbSNP rs2518009062, ClinGen allele CA411530857.